The following is an entry in ClinVar:

NM_002998.4(SDC2):c.211T>A (p.Ser71Thr)

Gene: SDC2 (syndecan 2; plus strand). Cytogenetic location: 8q22.1.
Variant type: single nucleotide variant.
Coding change: c.211T>A on transcript NM_002998.4 (MANE Select); coding-DNA position 211, T replaced by A.
Protein change: p.Ser71Thr; replaces serine 71 with threonine.
Molecular consequence: missense variant.
Genome position (GRCh38, 1-based): chr8:96,602,433, T>A. VCF-style: chr8-96602433-T-A. GRCh37 (hg19) VCF-style: chr8-97614661-T-A.
Other names: short protein forms S71T.
Identifiers: ClinVar variation 1288543 (VCV001288543.2), dbSNP rs1042381, ClinGen allele CA4816996.

ClinVar aggregate classification (germline): Benign. Review status: criteria provided, multiple submitters, no conflicts (2 of 4 stars). 2 submissions from 2 submitters: Benign (2). Last evaluated 2019-04-24.

Allele frequency attached by ClinVar (database versions not stated): gnomAD exomes 0.17951 and 0.18731; ExAC 0.18492; 1000 Genomes Project 0.23562; gnomAD 0.23728 and 0.24202; 1000 Genomes Project 30x 0.24297; TOPMed 0.24566; ESP Exome Variant Server 0.24927.
gnomAD v4.1: 310,010 of 1,613,670 alleles (19%); highest among the groups gnomAD compares: African/African-American, 39%; 32,186 homozygotes.

Submissions (2):

GeneDx
Classification: Benign. Last evaluated: 2019-04-24. Review status: criteria provided, single submitter. Criteria: GeneDx Variant Classification Process June 2021. Collection method: clinical testing. Allele origin: germline. Affected: yes.
Comment: This variant is associated with the following publications: (PMID: 24442880)

Breakthrough Genomics
Classification: Benign. Review status: criteria provided, single submitter. Criteria: ACMG Guidelines, 2015. Collection method: not provided. Allele origin: germline. Inheritance: Unknown mechanism. Affected: yes.